The following is an entry in ClinVar:

NC_000001.10:g.(21896868_21900157)_(21900293_21902225)del

Gene: ALPL (alkaline phosphatase, biomineralization associated; plus strand). Cytogenetic location: 1p36.12.
Variant type: Deletion.
Identifiers: ClinVar variation 3375272 (VCV003375272.1).

ClinVar aggregate classification (germline): Pathogenic (1 of 4 stars; one submission).

Conditions:
Hypophosphatasia. Also called: Phosphoethanol-aminuria. Identifiers: Orphanet 436, MedGen C0020630, MeSH D007014, MONDO:0018570.

Submission:

Women's Health and Genetics/Laboratory Corporation of America, LabCorp
Classification: Pathogenic for Hypophosphatasia. Last evaluated: 2024-09-24. Review status: criteria provided, single submitter. Criteria: LabCorp Variant Classification Summary - May 2015. Collection method: clinical testing. Allele origin: germline.
Comment: Variant summary: The variant involves the deletion of exon 9 in the ALPL gene. A presumed nomenclature of c.(862+1_863-1)_(997+1_998-1)del has been designated for the purposes of this classification. This Copy Number Variant (CNV) is predicted to result in an in-frame deletion within this gene. The variant was absent in 21694 control chromosomes. c.(862+1_863-1)_(997+1_998-1)del has been reported in the literature in trans with a recessive pathogenic variant in at least 2 individuals affected with autosomal recessive Hypophosphatasia (example, Sperelakis-Beedham_2021). To our knowledge, no experimental evidence demonstrating an impact on protein function has been reported however at least 1 individiual in the prior publication was noted to have low alkaline phosphatase levels. Additionally, at least 1 missense variant in the overlapping deleted region (c.881A>C, p.Asp294Ala) has been classified as pathogenic for recessive disease by our laboratory, suggesting that loss of these exons is deleterious. The following publication has been ascertained in the context of this evaluation (PMID: 33549410). No submitters have cited clinical-significance assessments for this variant to ClinVar. Based on the evidence outlined above, the variant was classified as pathogenic.

Literature cited by the submitters: PubMed 33549410.